The following is an entry in ClinVar:

ClinVar aggregate classification (germline): Likely benign. Review status: criteria provided, multiple submitters, no conflicts (2 of 4 stars). 5 submissions from 5 submitters: Likely benign (5). Last evaluated 2026-06-22.

Conditions:
COL5A1-related disorder. Also called: COL5A1-related condition.
Ehlers-Danlos syndrome, classic type, 1 (EDSCL1). Also called: Ehlers-Danlos syndrome, type 1; EHLERS-DANLOS SYNDROME, GRAVIS TYPE; EHLERS-DANLOS SYNDROME, SEVERE CLASSIC TYPE; EDS I; Ehlers-Danlos Syndrome, Classic Type, COL5A1-Related. Identifiers: MedGen C0268335, MONDO:0019567, OMIM 130000.
Familial thoracic aortic aneurysm and aortic dissection (TAAD). Also called: Thoracic aortic aneurysms and dissections. Identifiers: Orphanet 91387, MedGen C4707243, MONDO:0019625.

Allele frequency attached by ClinVar (database versions not stated): gnomAD 0.00001; TOPMed 0.00003; ExAC 0.00004; gnomAD exomes 0.00005.
gnomAD v4.1: 68 of 1,614,078 alleles (0.0042%); highest among the groups gnomAD compares: South Asian, 0.018%; no homozygotes.

Submissions (5):

PreventionGenetics, part of Exact Sciences
Classification: Likely benign for COL5A1-related condition. Last evaluated: 2026-06-22. Review status: criteria provided, single submitter. Criteria: ACMG Guidelines, 2015. Collection method: clinical testing. Allele origin: germline.
Comment: This variant is classified as likely benign based on ACMG/AMP sequence variant interpretation guidelines (Richards et al. 2015 PMID: 25741868, with internal and published modifications).

Mayo Clinic Laboratories, Mayo Clinic
Classification: Likely benign. Last evaluated: 2025-08-21. Review status: criteria provided, single submitter. Criteria: ACMG Guidelines, 2015. Collection method: clinical testing. Allele origin: germline. Observed: 1 variant allele.
Comment: BS1, BP4, BP7

Labcorp Genetics (formerly Invitae), Labcorp
Classification: Likely benign for Ehlers-Danlos syndrome, classic type, 1. Last evaluated: 2025-08-04. Review status: criteria provided, single submitter. Criteria: Invitae Variant Classification Sherloc (09022015). Collection method: clinical testing. Allele origin: germline.

GeneDx
Classification: Likely benign. Last evaluated: 2021-02-15. Review status: criteria provided, single submitter. Criteria: GeneDx Variant Classification Process June 2021. Collection method: clinical testing. Allele origin: germline. Affected: yes.

Ambry Genetics
Classification: Likely benign for Familial thoracic aortic aneurysm and aortic dissection. Last evaluated: 2015-08-12. Review status: criteria provided, single submitter. Criteria: Ambry Variant Classification Scheme 2023. Collection method: clinical testing. Allele origin: germline.

NM_000093.5(COL5A1):c.825C>T (p.Tyr275=)

Gene: COL5A1 (collagen type V alpha 1 chain; plus strand). Cytogenetic location: 9q34.3.
Variant type: single nucleotide variant.
Coding change: c.825C>T on transcript NM_000093.5 (MANE Select); coding-DNA position 825, C replaced by T.
Protein change: p.Tyr275=; no amino-acid change (tyrosine 275 retained).
Molecular consequence: synonymous variant.
Genome position (GRCh38, 1-based): chr9:134,728,708, C>T. VCF-style: chr9-134728708-C-T. GRCh37 (hg19) VCF-style: chr9-137620554-C-T.
Other names: p.Tyr275=; c.825C>T, p.Tyr275= (NM_001278074.1).
Identifiers: ClinVar variation 264205 (VCV000264205.59), dbSNP rs771253587, ClinGen allele CA5318549.